The following is an entry in ClinVar:

ClinVar aggregate classification (germline): Pathogenic (1 of 4 stars; one submission).

Conditions:
Congenital microcephaly - severe encephalopathy - progressive cerebral atrophy syndrome. Also called: ASNS DEFICIENCY; Asparagine synthetase deficiency. Identifiers: Orphanet 391376, MedGen C3809971, MONDO:0014258, OMIM 615574.

Submission:

Myriad Genetics, Inc.
Classification: Pathogenic for Congenital microcephaly - severe encephalopathy - progressive cerebral atrophy syndrome. Last evaluated: 2024-11-05. Review status: criteria provided, single submitter. Criteria: Myriad Autosomal Dominant, Autosomal Recessive and X-Linked Classification Criteria (2023). Collection method: clinical testing. Allele origin: unknown.
Comment: NM_001673.4(ASNS):c.701_704dupACCT(R236Pfs*6) is expected to be pathogenic in the context of asparagine synthetase deficiency. This variant is predicted to lead to an abnormal or absent protein product due to the creation of a premature termination codon in ASNS, a gene where loss-of-function variants are known to be pathogenic. Please note: this variant was assessed in the context of healthy population screening.

NM_001673.5(ASNS):c.701_704dup (p.Arg236fs)

Genes: ASNS (asparagine synthetase (glutamine-hydrolyzing); minus strand), CZ1P-ASNS (CZ1P-ASNS readthrough; minus strand). Cytogenetic location: 7q21.3.
Variant type: Duplication.
Coding change: c.701_704dup on transcript NM_001673.5 (MANE Select); coding-DNA positions 701 to 704, 4 bases duplicated (ACCT; older notation c.701_704dupACCT).
Protein change: p.Arg236fs; shifts the reading frame from arginine 236.
Molecular consequence: frameshift variant. On other transcripts: non-coding transcript variant (1).
Genome position (GRCh38, 1-based): chr7:97,858,925-97,858,928, AGGT duplicated on the plus strand (ACCT on the coding strand, the reverse complement: ASNS is on the minus strand). VCF-style (leftmost placement, unchanged base first): chr7-97858924-G-GAGGT. GRCh37 (hg19) VCF-style: chr7-97488236-G-GAGGT.
Other names: c.638_641dup, p.Arg215fs (NM_001178075.2); c.452_455dup, p.Arg153fs (NM_001178076.2, NM_001178077.1); c.701_704dup, p.Arg236fs (NM_001352496.2, NM_133436.3, NM_183356.4); short protein forms R153fs, R215fs, R236fs.
Identifiers: ClinVar variation 5013707 (VCV005013707.1).